The following is an entry in ClinVar:

ClinVar aggregate classification (germline): Uncertain significance (1 of 4 stars; one submission).

Submission:

GeneDx
Classification: Uncertain significance. Last evaluated: 2023-07-28. Review status: criteria provided, single submitter. Criteria: GeneDx Variant Classification Process June 2021. Collection method: clinical testing. Allele origin: germline. Affected: yes.
Comment: Has not been previously published as pathogenic or benign to our knowledge; Not observed at significant frequency in large population cohorts (gnomAD); In silico analysis supports that this missense variant has a deleterious effect on protein structure/function

NM_001003694.2(BRPF1):c.3554G>A (p.Gly1185Asp)

Gene: BRPF1 (bromodomain and PHD finger containing 1; plus strand). Cytogenetic location: 3p25.3.
Variant type: single nucleotide variant.
Coding change: c.3554G>A on transcript NM_001003694.2 (MANE Select); coding-DNA position 3554, G replaced by A.
Protein change: p.Gly1185Asp; replaces glycine 1185 with aspartic acid.
Molecular consequence: missense variant. On other transcripts: non-coding transcript variant (1).
Genome position (GRCh38, 1-based): chr3:9,747,240, G>A. VCF-style: chr3-9747240-G-A. GRCh37 (hg19) VCF-style: chr3-9788924-G-A.
Other names: c.3251G>A, p.Gly1084Asp (NM_001319049.2); c.3533G>A, p.Gly1178Asp (NM_001319050.2); c.3551G>A, p.Gly1184Asp (NM_001410704.1); c.3536G>A, p.Gly1179Asp (NM_004634.3); short protein forms G1084D, G1178D, G1179D, G1184D, G1185D.
Identifiers: ClinVar variation 3361635 (VCV003361635.1).